The following is an entry in ClinVar:

NM_001395413.1(POR):c.1603A>C (p.Thr535Pro)

Gene: POR (cytochrome p450 oxidoreductase; plus strand). Cytogenetic location: 7q11.23.
Variant type: single nucleotide variant.
Coding change: c.1603A>C on transcript NM_001395413.1 (MANE Select); coding-DNA position 1603, A replaced by C.
Protein change: p.Thr535Pro; replaces threonine 535 with proline.
Molecular consequence: missense variant.
Genome position (GRCh38, 1-based): chr7:75,985,792, A>C. VCF-style: chr7-75985792-A-C. GRCh37 (hg19) VCF-style: chr7-75615110-A-C.
Other names: c.1612A>C (NM_000941.2); c.1603A>C, p.Thr535Pro (NM_001367562.3, NM_001382657.2, NM_001382658.3 and 1 more transcripts); c.1657A>C, p.Thr553Pro (NM_001382655.3); c.1453A>C, p.Thr485Pro (NM_001382662.3); short protein forms T485P, T535P, T553P.
Identifiers: ClinVar variation 1397161 (VCV001397161.8), dbSNP rs782814705, ClinGen allele CA4304204.

ClinVar aggregate classification (germline): Uncertain significance. Review status: criteria provided, multiple submitters, no conflicts (2 of 4 stars). 4 submissions from 4 submitters: Uncertain significance (4). Last evaluated 2026-06-15.

Conditions:
Inborn genetic diseases. Identifiers: MedGen C0950123, MeSH D030342.
Congenital adrenal hyperplasia due to cytochrome P450 oxidoreductase deficiency. Also called: DISORDERED STEROIDOGENESIS DUE TO POR DEFICIENCY. Identifiers: Orphanet 95699, MedGen C1860042, MONDO:0013310, OMIM 613571.

Allele frequency attached by ClinVar (database versions not stated): gnomAD exomes 0.00005 and 0.00011; TOPMed 0.00007; ExAC 0.00004; gnomAD 0.00005.
gnomAD v4.1: 169 of 1,568,894 alleles (0.011%); highest among the groups gnomAD compares: Non-Finnish European, 0.013%; no homozygotes.

Submissions (4):

Ambry Genetics
Classification: Uncertain significance for Inborn genetic diseases. Last evaluated: 2026-06-15. Review status: criteria provided, single submitter. Criteria: Ambry Variant Classification Scheme 2023. Collection method: clinical testing. Allele origin: germline.
Comment: The c.1612A>C (p.T538P) alteration is located in exon 13 (coding exon 12) of the POR gene. This alteration results from a A to C substitution at nucleotide position 1612, causing the threonine (T) at amino acid position 538 to be replaced by a proline (P). Based on data from gnomAD, the C allele has an overall frequency of 0.006% (12/210514) total alleles studied. The highest observed frequency was 0.013% (12/91042) of European (non-Finnish) alleles. Based on insufficient or conflicting evidence, the clinical significance of this alteration remains unclear.

GeneDx
Classification: Uncertain significance. Last evaluated: 2024-04-08. Review status: criteria provided, single submitter. Criteria: GeneDx Variant Classification Process June 2021. Collection method: clinical testing. Allele origin: germline. Affected: yes.
Comment: In silico analysis supports that this missense variant has a deleterious effect on protein structure/function; Has not been previously published as pathogenic or benign to our knowledge

Labcorp Genetics (formerly Invitae), Labcorp
Classification: Uncertain significance for Congenital adrenal hyperplasia due to cytochrome P450 oxidoreductase deficiency. Last evaluated: 2024-01-22. Review status: criteria provided, single submitter. Criteria: Invitae Variant Classification Sherloc (09022015). Collection method: clinical testing. Allele origin: germline.
Comment: This sequence change replaces threonine, which is neutral and polar, with proline, which is neutral and non-polar, at codon 538 of the POR protein (p.Thr538Pro). This variant is present in population databases (rs782814705, gnomAD 0.01%). This variant has not been reported in the literature in individuals affected with POR-related conditions. ClinVar contains an entry for this variant (Variation ID: 1397161). Advanced modeling of protein sequence and biophysical properties (such as structural, functional, and spatial information, amino acid conservation, physicochemical variation, residue mobility, and thermodynamic stability) performed at Invitae indicates that this missense variant is expected to disrupt POR protein function with a positive predictive value of 80%. In summary, the available evidence is currently insufficient to determine the role of this variant in disease. Therefore, it has been classified as a Variant of Uncertain Significance.

Blueprint Genetics
Classification: Uncertain significance. Last evaluated: 2019-05-08. Review status: criteria provided, single submitter. Criteria: ACMG Guidelines, 2015. Collection method: clinical testing. Allele origin: germline.